The following is an entry in ClinVar:

ClinVar aggregate classification (germline): Uncertain significance (1 of 4 stars; one submission).

Conditions:
Mowat-Wilson syndrome (MOWS). Also called: Classic Mowat-Wilson Syndrome. Identifiers: Orphanet 2152, MedGen C1856113, MONDO:0009341, OMIM 235730.

Allele frequency attached by ClinVar (database versions not stated): gnomAD 0.00001; TOPMed 0.00002.
gnomAD v4.1: 3 of 1,613,444 alleles (0.00019%); highest among the groups gnomAD compares: Admixed American, 0.0033%; no homozygotes.

Submission:

Labcorp Genetics (formerly Invitae), Labcorp
Classification: Uncertain significance for Mowat-Wilson syndrome. Last evaluated: 2025-04-27. Review status: criteria provided, single submitter. Criteria: Invitae Variant Classification Sherloc (09022015). Collection method: clinical testing. Allele origin: germline.
Comment: This sequence change replaces arginine, which is basic and polar, with proline, which is neutral and non-polar, at codon 11 of the ZEB2 protein (p.Arg11Pro). This variant is not present in population databases (gnomAD no frequency). This variant has not been reported in the literature in individuals affected with ZEB2-related conditions. ClinVar contains an entry for this variant (Variation ID: 2049271). An algorithm developed to predict the effect of missense changes on protein structure and function (PolyPhen-2) suggests that this variant is likely to be tolerated. In summary, the available evidence is currently insufficient to determine the role of this variant in disease. Therefore, it has been classified as a Variant of Uncertain Significance.

NM_014795.4(ZEB2):c.32G>C (p.Arg11Pro)

Gene: ZEB2 (zinc finger E-box binding homeobox 2; minus strand). Cytogenetic location: 2q22.3.
Variant type: single nucleotide variant.
Coding change: c.32G>C on transcript NM_014795.4 (MANE Select); coding-DNA position 32, G replaced by C.
Protein change: p.Arg11Pro; replaces arginine 11 with proline.
Molecular consequence: missense variant. On other transcripts: non-coding transcript variant (1).
Genome position (GRCh38, 1-based): chr2:144,517,319, C>G on the plus strand (G>C on the coding strand, the complement: ZEB2 is on the minus strand). VCF-style: chr2-144517319-C-G. GRCh37 (hg19) VCF-style: chr2-145274886-C-G.
Other names: c.32G>C, p.Arg11Pro (NM_001171653.2); short protein forms R11P.
Identifiers: ClinVar variation 2049271 (VCV002049271.4), dbSNP rs1476193985, ClinGen allele CA348858388.
Genomic context (GRCh38, chr2:144,517,319, plus strand): 5'-GGTTCGGGCTGCTTCTTACCGTTTTTCCTCCTGGGATTGGCTTGTTTGCGCCTCTTGCAC[C>G]GGGGGCCATCCGCCATGATCGGCTGCTTCATTGATAAGAGCGGATCAGATGGCAGTTCGC-3'
Protein context (NP_055610.1, residues 1-21): MKQPIMADGP[Arg11Pro]CKRRKQANPR